The following is an entry in ClinVar:

ClinVar aggregate classification (germline): Pathogenic/Likely pathogenic. Review status: criteria provided, multiple submitters, no conflicts (2 of 4 stars). 3 submissions from 3 submitters: Pathogenic (1); Likely pathogenic (2). Last evaluated 2025-12-12.

Conditions:
Sjögren-Larsson syndrome (SLS). Also called: FALDH DEFICIENCY; FATTY ALCOHOL:NAD+ OXIDOREDUCTASE DEFICIENCY; FATTY ALDEHYDE DEHYDROGENASE DEFICIENCY; ICHTHYOSIS, SPASTIC NEUROLOGIC DISORDER, AND OLIGOPHRENIA. Identifiers: Orphanet 816, MedGen C0037231, MONDO:0010031, OMIM 270200.

Submissions (3):

Natera, Inc.
Classification: Likely pathogenic for Sjögren-Larsson syndrome. Last evaluated: 2025-12-12. Review status: criteria provided, single submitter. Criteria: Natera Variant Classification Schema (03/2026). Collection method: clinical testing. Allele origin: germline.
Comment: The c.946delA variant in ALDH3A2 is a frameshift variant predicted to shift the reading frame beginning at codon 316 and leads to a stop codon 12 codons downstream. This variant is expected to result in nonsense mediated decay, truncation, or a dysfunctional protein product. This variant is rare in the general population with a frequency below the threshold expected for the associated phenotype(s). Given the available evidence, this variant is classified as Likely Pathogenic.

Fulgent Genetics
Classification: Likely pathogenic for Sjögren-Larsson syndrome. Last evaluated: 2024-05-20. Review status: criteria provided, single submitter. Criteria: ACMG Guidelines, 2015. Collection method: clinical testing. Allele origin: germline.

Mendelics
Classification: Pathogenic for Sjögren-Larsson syndrome. Last evaluated: 2019-05-28. Review status: criteria provided, single submitter. Criteria: Mendelics Assertion Criteria 2017. Collection method: clinical testing. Allele origin: unknown.

NM_000382.3(ALDH3A2):c.946del (p.Thr316fs)

Gene: ALDH3A2 (aldehyde dehydrogenase 3 family member A2; plus strand). Cytogenetic location: 17p11.2.
Variant type: Deletion.
Coding change: c.946del on transcript NM_000382.3 (MANE Select); coding-DNA position 946, one base deleted (A; older notation c.946delA).
Protein change: p.Thr316fs; shifts the reading frame from threonine 316.
Molecular consequence: frameshift variant.
Genome position (GRCh38, 1-based): chr17:19,663,338, A deleted; the last of 2 consecutive A bases (chr17:19,663,337-19,663,338); deleting either gives the same sequence. VCF-style (leftmost placement, unchanged base first): chr17-19663336-CA-C. GRCh37 (hg19) VCF-style: chr17-19566649-CA-C.
Other names: c.946del, p.Thr316fs (NM_001031806.2, NM_001369136.1, NM_001369137.2 and 3 more transcripts); c.367del, p.Thr123fs (NM_001369148.2); c.946delA (NM_000382.2); short protein forms T316fs, T123fs.
Identifiers: ClinVar variation 803334 (VCV000803334.3), dbSNP rs1295218502, ClinGen allele CA726771603.